The following is an entry in ClinVar:

NM_000535.7(PMS2):c.1577del (p.Asp526fs)

Gene: PMS2 (PMS1 homolog 2, mismatch repair system component; minus strand). Cytogenetic location: 7p22.1.
Variant type: Deletion.
Coding change: c.1577del on transcript NM_000535.7 (MANE Select); coding-DNA position 1577, one base deleted (A; older notation c.1577delA).
Protein change: p.Asp526fs; shifts the reading frame from aspartic acid 526.
Molecular consequence: frameshift variant. On other transcripts: non-coding transcript variant (1).
Genome position (GRCh38, 1-based): chr7:5,987,188, T deleted on the plus strand (A on the coding strand, the reverse complement: PMS2 is on the minus strand). VCF-style (leftmost placement, unchanged base first): chr7-5987187-GT-G. GRCh37 (hg19) VCF-style: chr7-6026818-GT-G.
Other names: c.1172delA, p.Asp391Alafs (NM_001018040.1, NM_001406887.1, NM_001406888.1 and 13 more transcripts); c.1172del, p.Asp391fs (NM_001322003.2, NM_001322004.2, NM_001322005.2 and 1 more transcripts); c.1421del, p.Asp474fs (NM_001322006.2); c.1259del, p.Asp420fs (NM_001322007.2, NM_001322008.2); c.1016del, p.Asp339fs (NM_001322010.2); c.644del, p.Asp215fs (NM_001322011.2, NM_001322012.2); c.1004del, p.Asp335fs (NM_001322013.2); c.1577del, p.Asp526fs (NM_001322014.2); and 19 more; short protein forms D335fs, D420fs, D474fs, D215fs, D391fs, D423fs, D526fs, D339fs.
Identifiers: ClinVar variation 1916358 (VCV001916358.6), dbSNP rs2535768807, ClinGen allele CA2573130165.

ClinVar aggregate classification (germline): Pathogenic. Review status: criteria provided, multiple submitters, no conflicts (2 of 4 stars). 2 submissions from 2 submitters: Pathogenic (2). Last evaluated 2025-06-16.

Conditions:
Lynch syndrome 4 (LYNCH4). Also called: Colorectal cancer, hereditary nonpolyposis, type 4; Hereditary non-polyposis colorectal cancer, type 4. Identifiers: Orphanet 144, MedGen C1838333, MONDO:0013699, OMIM 614337. Disease mechanism: loss of function.
Hereditary nonpolyposis colorectal neoplasms. Identifiers: MedGen C0009405, MeSH D003123.

Submissions (2):

Labcorp Genetics (formerly Invitae), Labcorp
Classification: Pathogenic for Hereditary nonpolyposis colorectal neoplasms. Last evaluated: 2025-06-16. Review status: criteria provided, single submitter. Criteria: Invitae Variant Classification Sherloc (09022015). Collection method: clinical testing. Allele origin: germline.
Comment: This sequence change creates a premature translational stop signal (p.Asp526Alafs*69) in the PMS2 gene. It is expected to result in an absent or disrupted protein product. Loss-of-function variants in PMS2 are known to be pathogenic (PMID: 21376568, 24362816). This variant is not present in population databases (gnomAD no frequency). This premature translational stop signal has been observed in individuals with constitutional mismatch repair deficiency syndrome and/or Lynch syndrome (PMID: 31860975, 34247610). It has also been observed to segregate with disease in related individuals. ClinVar contains an entry for this variant (Variation ID: 1916358). For these reasons, this variant has been classified as Pathogenic.

Myriad Genetics, Inc.
Classification: Pathogenic for Lynch syndrome 4. Last evaluated: 2023-09-20. Review status: criteria provided, single submitter. Criteria: Myriad Autosomal Dominant, Autosomal Recessive and X-Linked Classification Criteria (2023). Collection method: clinical testing. Allele origin: unknown.
Comment: This variant is considered pathogenic. This variant creates a frameshift predicted to result in premature protein truncation.

Literature cited by the submitters: PubMed 21376568 (cited by Labcorp Genetics (formerly Invitae), Labcorp); PubMed 24362816 (cited by Labcorp Genetics (formerly Invitae), Labcorp); PubMed 31860975 (cited by Labcorp Genetics (formerly Invitae), Labcorp); PubMed 34247610 (cited by Labcorp Genetics (formerly Invitae), Labcorp).